The following is an entry in ClinVar:

ClinVar aggregate classification (germline): Uncertain significance. Review status: criteria provided, multiple submitters, no conflicts (2 of 4 stars). 5 submissions from 5 submitters: Uncertain significance (3). 2 of the submissions do not count toward it. Last evaluated 2025-10-23.

Conditions:
Mucopolysaccharidosis type 1. Also called: Mucopolysaccharidosis Type I; IDUA deficiency; MPS I. Identifiers: Orphanet 579, MedGen C0023786, MONDO:0001586.
Inborn genetic diseases. Identifiers: MedGen C0950123, MeSH D030342.
Hurler syndrome. Also called: MUCOPOLYSACCHARIDOSIS TYPE IH; Gargoylism, Hurler Syndrome; Severe MPS I (Hurler Syndrome). Identifiers: Orphanet 93473, MedGen C0086795, MONDO:0011758, OMIM 607014.

Allele frequency attached by ClinVar (database versions not stated): 1000 Genomes Project 0.00020; 1000 Genomes Project 30x 0.00031.
gnomAD v4.1: 28 of 1,612,446 alleles (0.0017%); highest among the groups gnomAD compares: South Asian, 0.03%; no homozygotes.

Submissions (5):

Ambry Genetics
Classification: Uncertain significance for Inborn genetic diseases. Last evaluated: 2025-10-23. Review status: criteria provided, single submitter. Criteria: Ambry Variant Classification Scheme 2023. Collection method: clinical testing. Allele origin: germline.
Comment: The p.S67C variant (also known as c.199A>T), located in coding exon 2 of the IDUA gene, results from an A to T substitution at nucleotide position 199. The serine at codon 67 is replaced by cysteine, an amino acid with dissimilar properties. This amino acid position is conserved. In addition, the in silico prediction for this alteration is inconclusive. Based on the available evidence, the clinical significance of this variant remains unclear.

Labcorp Genetics (formerly Invitae), Labcorp
Classification: Uncertain significance for Mucopolysaccharidosis type 1. Last evaluated: 2022-09-27. Review status: criteria provided, single submitter. Criteria: Invitae Variant Classification Sherloc (09022015). Collection method: clinical testing. Allele origin: germline.
Comment: This sequence change replaces serine, which is neutral and polar, with cysteine, which is neutral and slightly polar, at codon 67 of the IDUA protein (p.Ser67Cys). This variant is present in population databases (rs370442463, gnomAD 0.03%). This variant has not been reported in the literature in individuals affected with IDUA-related conditions. ClinVar contains an entry for this variant (Variation ID: 64576). Advanced modeling of protein sequence and biophysical properties (such as structural, functional, and spatial information, amino acid conservation, physicochemical variation, residue mobility, and thermodynamic stability) has been performed at Invitae for this missense variant, however the output from this modeling did not meet the statistical confidence thresholds required to predict the impact of this variant on IDUA protein function. In summary, the available evidence is currently insufficient to determine the role of this variant in disease. Therefore, it has been classified as a Variant of Uncertain Significance.

Illumina Laboratory Services, Illumina
Classification: Uncertain significance for Mucopolysaccharidosis type 1. Last evaluated: 2018-01-13. Review status: criteria provided, single submitter. Criteria: ICSL Variant Classification Criteria 13 December 2019. Collection method: clinical testing. Allele origin: germline.

Counsyl
Classification: Uncertain significance for Hurler syndrome. Last evaluated: 2017-07-31. Review status: no assertion criteria provided. Collection method: clinical testing. Allele origin: unknown. Not counted in ClinVar's aggregate classification.

Martin Pollak Laboratory,  Beth Israel Deaconess Medical Center
Classification: Uncertain significance. Review status: no assertion criteria provided. Collection method: not provided. Allele origin: unknown. Not counted in ClinVar's aggregate classification.
Comment: Lower UCa2+ group
ClinVar note: Converted during submission from unknown to Uncertain significance.

NM_000203.4(IDUA):c.199A>T (p.Ser67Cys)

Genes: IDUA (alpha-L-iduronidase; plus strand), SLC26A1 (solute carrier family 26 member 1; minus strand). Cytogenetic location: 4p16.3.
Variant type: single nucleotide variant.
Coding change: c.199A>T on transcript NM_000203.4; coding-DNA position 199, A replaced by T.
Protein change: p.Ser67Cys; replaces serine 67 with cysteine.
Molecular consequence: 3 prime UTR variant (on NM_022042.4). On other transcripts: missense variant (1), non-coding transcript variant (1), intron variant (1).
Genome position (GRCh38, 1-based): chr4:987,849, A>T. VCF-style: chr4-987849-A-T. GRCh37 (hg19) VCF-style: chr4-981637-A-T.
Other names: c.*984T>A (NM_022042.4, NM_213613.4); c.199A>T, p.Ser67Cys (NM_000203.5); c.576+3279T>A (NM_134425.4); short protein forms S67C.
Identifiers: ClinVar variation 64576 (VCV000064576.9), dbSNP rs370442463, ClinGen allele CA216435.